The following is an entry in ClinVar:

ClinVar aggregate classification (germline): Uncertain significance (1 of 4 stars; one submission).

Conditions:
Shashi-Pena syndrome (SHAPNS). Identifiers: Orphanet 689408, MedGen C4310672, MONDO:0014963, OMIM 617190.

Submission:

Juno Genomics, Hangzhou Juno Genomics, Inc
Classification: Uncertain significance for Shashi-Pena syndrome. Review status: criteria provided, single submitter. Criteria: ACMG Guidelines, 2015. Collection method: clinical testing. Allele origin: germline.
Comment: Absent from controls (or at extremely low frequency if recessive) in Genome Aggregation Database.;Protein length changes due to in-frame deletions/insertions in a non-repeat region or stop-loss variants.

NM_018263.6(ASXL2):c.2025_2042dup (p.Ala684_Ser685insAlaAlaAlaAlaAlaAla)

Gene: ASXL2 (ASXL transcriptional regulator 2; minus strand). Cytogenetic location: 2p23.3.
Variant type: Duplication.
Coding change: c.2025_2042dup on transcript NM_018263.6 (MANE Select); coding-DNA positions 2025 to 2042, 18 bases duplicated (CGCTGCCGCCGCAGCTGC).
Protein change: p.Ala684_Ser685insAlaAlaAlaAlaAlaAla.
Molecular consequence: inframe insertion.
Genome position (GRCh38, 1-based): chr2:25,744,295-25,744,312, GCAGCTGCGGCGGCAGCG duplicated on the plus strand (CGCTGCCGCCGCAGCTGC on the coding strand, the reverse complement: ASXL2 is on the minus strand); duplicating any 18 consecutive bases within chr2:25,744,295-25,744,320 gives the same sequence; the c. name uses the placement nearest the transcript's 3' end. VCF-style (leftmost placement, unchanged base first): chr2-25744294-A-AGCAGCTGCGGCGGCAGCG. GRCh37 (hg19) VCF-style: chr2-25967163-A-AGCAGCTGCGGCGGCAGCG.
Other names: c.1851_1868dup, p.Ala626_Ser627insAlaAlaAlaAlaAlaAla (NM_001369346.1); c.1245_1262dup, p.Ala424_Ser425insAlaAlaAlaAlaAlaAla (NM_001369347.1).
Identifiers: ClinVar variation 5006263 (VCV005006263.2).